The following is an entry in ClinVar:

ClinVar aggregate classification (germline): Likely pathogenic. Review status: criteria provided, multiple submitters, no conflicts (2 of 4 stars). 2 submissions from 2 submitters: Likely pathogenic (2). Last evaluated 2025-12-03.

Conditions:
Maple syrup urine disease type 1B (MSUD1B). Also called: MSUD type IB; MSUD type 3 (formerly); MSUD due to deficiency of e1-beta subunit of branched-chain alpha-keto acid dehydrogenase complex. Identifiers: MedGen C2930990, MONDO:0023692, OMIM 620698.
Maple syrup urine disease (MSUD). Identifiers: Orphanet 511, MedGen C0024776, MeSH D008375, MONDO:0009563. Disease mechanism: loss of function.

Allele frequency attached by ClinVar (database versions not stated): TOPMed 0.00001.

Submissions (2):

Natera, Inc.
Classification: Likely pathogenic for Maple syrup urine disease type 1B. Last evaluated: 2025-12-03. Review status: criteria provided, single submitter. Criteria: Natera Variant Classification Schema (03/2026). Collection method: clinical testing. Allele origin: germline.
Comment: The c.14dup variant in BCKDHB is a frameshift variant predicted to shift the reading frame beginning at codon 6 and leads to a stop codon 15 codons downstream. This variant is expected to result in nonsense mediated decay, truncation, or a dysfunctional protein product. This variant is rare in the general population with a frequency below the threshold expected for the associated phenotype(s). Given the available evidence, this variant is classified as Likely Pathogenic.

Baylor Genetics
Classification: Likely pathogenic for Maple syrup urine disease type 1A. Last evaluated: 2023-02-21. Review status: criteria provided, single submitter. Criteria: ACMG Guidelines, 2015. Collection method: clinical testing. Allele origin: unknown.

NM_183050.4(BCKDHB):c.14dup (p.Ala6fs)

Gene: BCKDHB (branched chain keto acid dehydrogenase E1 subunit beta; plus strand). Cytogenetic location: 6q14.1.
Variant type: Duplication.
Coding change: c.14dup on transcript NM_183050.4 (MANE Select); coding-DNA position 14, one base duplicated (C; older notation c.14dupC).
Protein change: p.Ala6fs; shifts the reading frame from alanine 6.
Molecular consequence: frameshift variant. On other transcripts: 5 prime UTR variant (1), non-coding transcript variant (6), intron variant (1).
Genome position (GRCh38, 1-based): chr6:80,106,707, C duplicated. VCF-style (leftmost placement, unchanged base first): chr6-80106706-G-GC. GRCh37 (hg19) VCF-style: chr6-80816423-G-GC.
Other names: c.14dup (NM_183050.3); c.14dup, p.Ala6fs (NM_000056.5, NM_001424035.1, NM_001424036.1 and 8 more transcripts); c.-151dup (NM_001424043.1); c.-15+24dup (NM_001318975.1); short protein forms A6fs.
Identifiers: ClinVar variation 2680142 (VCV002680142.2), dbSNP rs1055686023, ClinGen allele CA142276827.